The following is an entry in ClinVar:

NM_001385079.1(PDE10A):c.2475G>A (p.Ala825=)

Gene: PDE10A (phosphodiesterase 10A; minus strand). Cytogenetic location: 6q27.
Variant type: single nucleotide variant.
Coding change: c.2475G>A on transcript NM_001385079.1 (MANE Select); coding-DNA position 2475, G replaced by A.
Protein change: p.Ala825=; no amino-acid change (alanine 825 retained).
Molecular consequence: synonymous variant.
Genome position (GRCh38, 1-based): chr6:165,388,433, C>T on the plus strand (G>A on the coding strand, the complement: PDE10A is on the minus strand). VCF-style: chr6-165388433-C-T. GRCh37 (hg19) VCF-style: chr6-165801922-C-T.
Other names: p.Ala559=; c.1677G>A (NM_001130690.2); c.1677G>A, p.Ala559= (NM_001130690.3); c.1647G>A, p.Ala549= (NM_006661.4).
Identifiers: ClinVar variation 2057811 (VCV002057811.33), dbSNP rs140098147, ClinGen allele CA4092093.
Genomic context (GRCh38, chr6:165,388,433, plus strand): 5'-GTCGAACTTCTGCAGGTAGCTGTTACTGAAGCCCCTGTGGTCCAGGTCATGACACAGACA[C>T]GCAATCAGCAGTCCTTTGCGCTTTAAAAAATAATATGATGCAGAGATGCTCAAAACACAG-3'
Protein context (NP_001372008.1, residues 815-835): TDLERKGLLI[Ala825=]CLCHDLDHRG

ClinVar aggregate classification (germline): Benign/Likely benign. Review status: criteria provided, multiple submitters, no conflicts (2 of 4 stars). 4 submissions from 4 submitters: Benign (1); Likely benign (2). 1 of the submissions does not count toward it. Last evaluated 2026-09-01.

Conditions:
PDE10A-related disorder. Also called: PDE10A-related condition.

Allele frequency attached by ClinVar (database versions not stated): 1000 Genomes Project 30x 0.00031; ESP Exome Variant Server 0.00031; 1000 Genomes Project 0.00040; ExAC 0.00044.
gnomAD v4.1: 834 of 1,614,072 alleles (0.052%); highest among the groups gnomAD compares: East Asian, 0.98%; 6 homozygotes.

Submissions (4):

CeGaT Center for Human Genetics Tuebingen
Classification: Likely benign. Last evaluated: 2026-09-01. Review status: criteria provided, single submitter. Criteria: CeGaT Center For Human Genetics Tuebingen Variant Classification Criteria Version 2. Collection method: clinical testing. Allele origin: germline. Affected: yes. Observed: 2 variant alleles.
Comment: PDE10A: BP4, BP7

Mayo Clinic Laboratories, Mayo Clinic
Classification: Likely benign. Last evaluated: 2025-10-15. Review status: criteria provided, single submitter. Criteria: ACMG Guidelines, 2015. Collection method: clinical testing. Allele origin: germline. Observed: 3 variant alleles.
Comment: BS1, BP4, BP7

Labcorp Genetics (formerly Invitae), Labcorp
Classification: Benign. Last evaluated: 2024-09-05. Review status: criteria provided, single submitter. Criteria: Invitae Variant Classification Sherloc (09022015). Collection method: clinical testing. Allele origin: germline.

PreventionGenetics, part of Exact Sciences
Classification: Likely benign for PDE10A-related condition. Last evaluated: 2024-03-23. Review status: no assertion criteria provided. Collection method: clinical testing. Allele origin: germline. Not counted in ClinVar's aggregate classification.
Comment: This variant is classified as likely benign based on ACMG/AMP sequence variant interpretation guidelines (Richards et al. 2015 PMID: 25741868, with internal and published modifications).